The following is an entry in ClinVar:

NM_000334.4(SCN4A):c.4888G>A (p.Asp1630Asn)

Genes: GH-LCR (growth hormone locus control region; plus strand), SCN4A (sodium voltage-gated channel alpha subunit 4; minus strand). Cytogenetic location: 17q23.3.
Variant type: single nucleotide variant.
Coding change: c.4888G>A on transcript NM_000334.4 (MANE Select); coding-DNA position 4888, G replaced by A.
Protein change: p.Asp1630Asn; replaces aspartic acid 1630 with asparagine.
Molecular consequence: missense variant.
Genome position (GRCh38, 1-based): chr17:63,941,394, C>T on the plus strand (G>A on the coding strand, the complement: SCN4A is on the minus strand). VCF-style: chr17-63941394-C-T. GRCh37 (hg19) VCF-style: chr17-62018754-C-T.
Other names: short protein forms D1630N.
Identifiers: ClinVar variation 839033 (VCV000839033.11), dbSNP rs540950122, ClinGen allele CA8708883.

ClinVar aggregate classification (germline): Uncertain significance. Review status: criteria provided, multiple submitters, no conflicts (2 of 4 stars). 2 submissions from 2 submitters: Uncertain significance (2). Last evaluated 2025-12-19.

Conditions:
Hypokalemic periodic paralysis, type 1. Also called: HypoPP; Hypokalemic Periodic Paralysis Type 1 (AD). Identifiers: Orphanet 681, MedGen C3714580, MONDO:0042979, OMIM 170400.
Hyperkalemic periodic paralysis. Also called: Familial hyperkalemic periodic paralysis; Gamstorp disease. Identifiers: Orphanet 682, MedGen C0238357, MONDO:0008224, OMIM 170500, HP:0007215.
Paramyotonia congenita of Von Eulenburg. Also called: Eulenburg disease; Myotonia congenita intermittens; Von Eulenburg paramyotonia congenita; Paramyotonia Congenita; PARALYSIS PERIODICA PARAMYOTONICA. Identifiers: Orphanet 684, MedGen C0221055, MONDO:0008195, OMIM 168300. Disease mechanism: loss of function.
Hypokalemic periodic paralysis, type 2 (HOKPP2). Identifiers: Orphanet 681, MedGen C2750061, MONDO:0013234, OMIM 613345.
Potassium-aggravated myotonia. Also called: MYOTONIA CONGENITA, ACETAZOLAMIDE-RESPONSIVE; MYOTONIA CONGENITA, ATYPICAL; SODIUM CHANNEL MUSCLE DISEASE; Myotonia congenita, atypical, acetazolamide-responsive. Identifiers: Orphanet 612, Orphanet 99734, Orphanet 99735, Orphanet 99736, MedGen C2931826, MONDO:0018959, OMIM 608390.
Congenital myasthenic syndrome 16. Identifiers: Orphanet 590, MedGen C3280112, MONDO:0013620, OMIM 614198.

Allele frequency attached by ClinVar (database versions not stated): 1000 Genomes Project 30x 0.00016; gnomAD exomes 0.00002; 1000 Genomes Project 0.00020; TOPMed below 0.00001; ExAC 0.00001; gnomAD 0.00001.
gnomAD v4.1: 35 of 1,613,882 alleles (0.0022%); highest among the groups gnomAD compares: East Asian, 0.0089%; no homozygotes.

Submissions (2):

Labcorp Genetics (formerly Invitae), Labcorp
Classification: Uncertain significance for Hyperkalemic periodic paralysis. Last evaluated: 2025-12-19. Review status: criteria provided, single submitter. Criteria: Invitae Variant Classification Sherloc (09022015). Collection method: clinical testing. Allele origin: germline.
Comment: This sequence change replaces aspartic acid, which is acidic and polar, with asparagine, which is neutral and polar, at codon 1630 of the SCN4A protein (p.Asp1630Asn). This variant is present in population databases (rs540950122, gnomAD 0.003%). This variant has not been reported in the literature in individuals affected with SCN4A-related conditions. ClinVar contains an entry for this variant (Variation ID: 839033). Invitae Evidence Modeling of protein sequence and biophysical properties (such as structural, functional, and spatial information, amino acid conservation, physicochemical variation, residue mobility, and thermodynamic stability) indicates that this missense variant is not expected to disrupt SCN4A protein function with a negative predictive value of 95%. In summary, the available evidence is currently insufficient to determine the role of this variant in disease. Therefore, it has been classified as a Variant of Uncertain Significance.

Fulgent Genetics
Classification: Uncertain significance for Paramyotonia congenita of Von Eulenburg; Hypokalemic periodic paralysis, type 1; Hyperkalemic periodic paralysis; Potassium-aggravated myotonia; Hypokalemic periodic paralysis, type 2; Congenital myasthenic syndrome 16. Last evaluated: 2022-05-07. Review status: criteria provided, single submitter. Criteria: ACMG Guidelines, 2015. Collection method: clinical testing. Allele origin: unknown.